The following is an entry in ClinVar:

NM_001377458.1(CLCC1):c.1316C>G (p.Pro439Arg)

Gene: CLCC1 (chloride channel CLIC like 1; minus strand). Cytogenetic location: 1p13.3.
Variant type: single nucleotide variant.
Coding change: c.1316C>G on transcript NM_001377458.1 (MANE Select); coding-DNA position 1316, C replaced by G.
Protein change: p.Pro439Arg; replaces proline 439 with arginine.
Molecular consequence: missense variant. On other transcripts: non-coding transcript variant (1).
Genome position (GRCh38, 1-based): chr1:108,937,144, G>C on the plus strand (C>G on the coding strand, the complement: CLCC1 is on the minus strand). VCF-style: chr1-108937144-G-C. GRCh37 (hg19) VCF-style: chr1-109479766-G-C.
Other names: c.1316C>G, p.Pro439Arg (NM_001048210.3, NM_001377459.1, NM_001377460.1 and 8 more transcripts); c.953C>G, p.Pro318Arg (NM_001278202.2); c.761C>G, p.Pro254Arg (NM_001278203.1); c.1214C>G, p.Pro405Arg (NM_001377469.1); c.1025C>G, p.Pro342Arg (NM_001377470.1); c.1166C>G, p.Pro389Arg (NM_015127.5); short protein forms P254R, P318R, P342R, P389R, P405R, P439R.
Identifiers: ClinVar variation 1974227 (VCV001974227.5), dbSNP rs746722429, ClinGen allele CA341456736.

ClinVar aggregate classification (germline): Uncertain significance (1 of 4 stars; one submission).

Submission:

Labcorp Genetics (formerly Invitae), Labcorp
Classification: Uncertain significance. Last evaluated: 2021-12-24. Review status: criteria provided, single submitter. Criteria: Invitae Variant Classification Sherloc (09022015). Collection method: clinical testing. Allele origin: germline.
Comment: This sequence change replaces proline, which is neutral and non-polar, with arginine, which is basic and polar, at codon 439 of the CLCC1 protein (p.Pro439Arg). This variant is not present in population databases (gnomAD no frequency). This variant has not been reported in the literature in individuals affected with CLCC1-related conditions. Algorithms developed to predict the effect of missense changes on protein structure and function are either unavailable or do not agree on the potential impact of this missense change (SIFT: "Deleterious"; PolyPhen-2: "Probably Damaging"; Align-GVGD: "Class C0"). In summary, the available evidence is currently insufficient to determine the role of this variant in disease. Therefore, it has been classified as a Variant of Uncertain Significance.